The following is an entry in ClinVar:

ClinVar aggregate classification (germline): Uncertain significance (1 of 4 stars; one submission).

Conditions:
Werner syndrome (WRN). Identifiers: Orphanet 902, MedGen C0043119, MONDO:0010196, OMIM 277700.

Submission:

Labcorp Genetics (formerly Invitae), Labcorp
Classification: Uncertain significance for Werner syndrome. Last evaluated: 2023-04-19. Review status: criteria provided, single submitter. Criteria: Invitae Variant Classification Sherloc (09022015). Collection method: clinical testing. Allele origin: germline.
Comment: ClinVar contains an entry for this variant (Variation ID: 956233). This variant has not been reported in the literature in individuals affected with WRN-related conditions. This variant is not present in population databases (gnomAD no frequency). This sequence change replaces leucine, which is neutral and non-polar, with valine, which is neutral and non-polar, at codon 652 of the WRN protein (p.Leu652Val). In summary, the available evidence is currently insufficient to determine the role of this variant in disease. Therefore, it has been classified as a Variant of Uncertain Significance. An algorithm developed to predict the effect of missense changes on protein structure and function (PolyPhen-2) suggests that this variant is likely to be disruptive.

NM_000553.6(WRN):c.1954C>G (p.Leu652Val)

Gene: WRN (WRN RecQ like helicase; plus strand). Cytogenetic location: 8p12.
Variant type: single nucleotide variant.
Coding change: c.1954C>G on transcript NM_000553.6 (MANE Select); coding-DNA position 1954, C replaced by G.
Protein change: p.Leu652Val; replaces leucine 652 with valine.
Molecular consequence: missense variant.
Genome position (GRCh38, 1-based): chr8:31,096,823, C>G. VCF-style: chr8-31096823-C-G. GRCh37 (hg19) VCF-style: chr8-30954339-C-G.
Other names: short protein forms L652V.
Identifiers: ClinVar variation 956233 (VCV000956233.6), dbSNP rs1814006433, ClinGen allele CA370929831.